The following is an entry in ClinVar:

ClinVar aggregate classification (germline): Uncertain significance (1 of 4 stars; one submission).

Conditions:
Neuroblastoma, susceptibility to, 3. Also called: ALK-Related Neuroblastic Tumor Susceptibility. Identifiers: Orphanet 635, MedGen C2751681, MONDO:0013083, OMIM 613014.

Submission:

Labcorp Genetics (formerly Invitae), Labcorp
Classification: Uncertain significance for Neuroblastoma, susceptibility to, 3. Last evaluated: 2024-12-23. Review status: criteria provided, single submitter. Criteria: Invitae Variant Classification Sherloc (09022015). Collection method: clinical testing. Allele origin: germline.
Comment: This sequence change replaces proline, which is neutral and non-polar, with serine, which is neutral and polar, at codon 837 of the ALK protein (p.Pro837Ser). This variant is not present in population databases (gnomAD no frequency). This variant has not been reported in the literature in individuals affected with ALK-related conditions. An algorithm developed to predict the effect of missense changes on protein structure and function (PolyPhen-2) suggests that this variant is likely to be disruptive. In summary, the available evidence is currently insufficient to determine the role of this variant in disease. Therefore, it has been classified as a Variant of Uncertain Significance.

NM_004304.5(ALK):c.2509C>T (p.Pro837Ser)

Gene: ALK (ALK receptor tyrosine kinase; minus strand). Cytogenetic location: 2p23.2.
Variant type: single nucleotide variant.
Coding change: c.2509C>T on transcript NM_004304.5 (MANE Select); coding-DNA position 2509, C replaced by T.
Protein change: p.Pro837Ser; replaces proline 837 with serine.
Molecular consequence: missense variant.
Genome position (GRCh38, 1-based): chr2:29,232,427, G>A on the plus strand (C>T on the coding strand, the complement: ALK is on the minus strand). VCF-style: chr2-29232427-G-A. GRCh37 (hg19) VCF-style: chr2-29455293-G-A.
Other names: short protein forms P837S.
Identifiers: ClinVar variation 3673617 (VCV003673617.2).
Genomic context (GRCh38, chr2:29,232,427, plus strand): 5'-GGAACGTGTCTGTCTTGGCCCCGTAGGCCCTGCCACCACCTCCGGCTGCAATGATCAGGG[G>A]CACCGGCACTCCATCCTTCATCTGACCAGGGGAGACATTCAGACATTGAGAAACCGAGCT-3'
Protein context (NP_004295.2, residues 827-847): VFKMKDGVPV[Pro837Ser]LIIAAGGGGR